The following is an entry in ClinVar:

NM_006231.4(POLE):c.2341G>C (p.Ala781Pro)

Gene: POLE (DNA polymerase epsilon, catalytic subunit; minus strand). Cytogenetic location: 12q24.33.
Variant type: single nucleotide variant.
Coding change: c.2341G>C on transcript NM_006231.4 (MANE Select); coding-DNA position 2341, G replaced by C.
Protein change: p.Ala781Pro; replaces alanine 781 with proline.
Molecular consequence: missense variant.
Genome position (GRCh38, 1-based): chr12:132,665,429, C>G on the plus strand (G>C on the coding strand, the complement: POLE is on the minus strand). VCF-style: chr12-132665429-C-G. GRCh37 (hg19) VCF-style: chr12-133242015-C-G.
Other names: c.2341G>C (NM_006231.2); short protein forms A781P.
Identifiers: ClinVar variation 1427637 (VCV001427637.9), dbSNP rs2135962208, ClinGen allele CA387397908.
Genomic context (GRCh38, chr12:132,665,429, plus strand): 5'-ACAGCACCTCCATGTTCTTGCAGCGCTTCACCTCAGCCGCGTCGCCCACCTCCACGGCCG[C>G]CGAGAGCTTCTTTTTCCACACCTGAGAAGCACATGAACATGGAGCACCTCACAGATTCTT-3'
Protein context (NP_006222.2, residues 771-791): LHKVWKKKLS[Ala781Pro]AVEVGDAAEV

ClinVar aggregate classification (germline): Uncertain significance. Review status: criteria provided, multiple submitters, no conflicts (2 of 4 stars). 2 submissions from 2 submitters: Uncertain significance (2). Last evaluated 2024-05-23.

Conditions:
Hereditary cancer-predisposing syndrome. Also called: Tumor predisposition; Hereditary neoplastic syndrome; Neoplastic Syndromes, Hereditary; Hereditary Cancer Syndrome. Identifiers: Orphanet 140162, MedGen C0027672, MeSH D009386, MONDO:0015356.

Submissions (2):

Labcorp Genetics (formerly Invitae), Labcorp
Classification: Uncertain significance. Last evaluated: 2024-05-23. Review status: criteria provided, single submitter. Criteria: Invitae Variant Classification Sherloc (09022015). Collection method: clinical testing. Allele origin: germline.
Comment: This sequence change replaces alanine, which is neutral and non-polar, with proline, which is neutral and non-polar, at codon 781 of the POLE protein (p.Ala781Pro). This variant is not present in population databases (gnomAD no frequency). This variant has not been reported in the literature in individuals affected with POLE-related conditions. ClinVar contains an entry for this variant (Variation ID: 1427637). Advanced modeling of protein sequence and biophysical properties (such as structural, functional, and spatial information, amino acid conservation, physicochemical variation, residue mobility, and thermodynamic stability) performed at Invitae indicates that this missense variant is not expected to disrupt POLE protein function with a negative predictive value of 80%. In summary, the available evidence is currently insufficient to determine the role of this variant in disease. Therefore, it has been classified as a Variant of Uncertain Significance.

Ambry Genetics
Classification: Uncertain significance for Hereditary cancer-predisposing syndrome. Last evaluated: 2024-04-08. Review status: criteria provided, single submitter. Criteria: Ambry Variant Classification Scheme 2023. Collection method: clinical testing. Allele origin: germline.
Comment: The p.A781P variant (also known as c.2341G>C), located in coding exon 21 of the POLE gene, results from a G to C substitution at nucleotide position 2341. The alanine at codon 781 is replaced by proline, an amino acid with highly similar properties. This amino acid position is conserved. In addition, this alteration is predicted to be tolerated by in silico analysis. Based on the available evidence, the clinical significance of this variant remains unclear.